The following is an entry in ClinVar:

ClinVar aggregate classification (germline): Likely benign (1 of 4 stars; one submission).

Allele frequency attached by ClinVar (database versions not stated): 1000 Genomes Project 0.00879; 1000 Genomes Project 30x 0.00921; gnomAD 0.01034 and 0.01061; TOPMed 0.01040.
gnomAD v4.1: 1,609 of 152,304 alleles (1.1%); highest among the groups gnomAD compares: South Asian, 1.6%; 16 homozygotes.

Submission:

GeneDx
Classification: Likely benign. Last evaluated: 2018-06-14. Review status: criteria provided, single submitter. Criteria: GeneDx Variant Classification (06012015). Collection method: clinical testing. Allele origin: germline. Affected: yes.
Comment: This variant is considered likely benign or benign based on one or more of the following criteria: it is a conservative change, it occurs at a poorly conserved position in the protein, it is predicted to be benign by multiple in silico algorithms, and/or has population frequency not consistent with disease.

NM_032578.4(MYPN):c.3286-271T>G

Gene: MYPN (myopalladin; plus strand). Cytogenetic location: 10q21.3.
Variant type: single nucleotide variant.
Coding change: c.3286-271T>G on transcript NM_032578.4 (MANE Select); 271 bases into the intron before coding-DNA position 3286, T replaced by G.
Molecular consequence: intron variant.
Genome position (GRCh38, 1-based): chr10:68,199,097, T>G. VCF-style: chr10-68199097-T-G. GRCh37 (hg19) VCF-style: chr10-69958854-T-G.
Other names: c.3286-271T>G (NM_001256267.2); c.2404-271T>G (NM_001256268.2).
Identifiers: ClinVar variation 669871 (VCV000669871.1), dbSNP rs117557865, ClinGen allele CA208225681.
Genomic context (GRCh38, chr10:68,199,097, plus strand): 5'-GGTATGTAAGCAGTATATCATCTCTGAAATTGATGCTGCAGGCCTATTATATCTATCTAT[T>G]TCACTTTTTAATTCTTATTTATTCTAATCTAGAGTATAATCAAATAGGTTAACCATTACC-3'